The following is an entry in ClinVar:

NM_000844.4(GRM7):c.2738T>C (p.Leu913Pro)

Gene: GRM7 (glutamate metabotropic receptor 7; plus strand). Cytogenetic location: 3p26.1.
Variant type: single nucleotide variant.
Coding change: c.2738T>C on transcript NM_000844.4 (MANE Select); coding-DNA position 2738, T replaced by C.
Protein change: p.Leu913Pro; replaces leucine 913 with proline.
Molecular consequence: missense variant. On other transcripts: 3 prime UTR variant (1).
Genome position (GRCh38, 1-based): chr3:7,740,396, T>C. VCF-style: chr3-7740396-T-C. GRCh37 (hg19) VCF-style: chr3-7782083-T-C.
Other names: c.*61T>C (NM_181874.3); short protein forms L913P.
Identifiers: ClinVar variation 1943626 (VCV001943626.5), dbSNP rs2470348684, ClinGen allele CA351801654.

ClinVar aggregate classification (germline): Uncertain significance (1 of 4 stars; one submission).

Submission:

Labcorp Genetics (formerly Invitae), Labcorp
Classification: Uncertain significance. Last evaluated: 2022-03-13. Review status: criteria provided, single submitter. Criteria: Invitae Variant Classification Sherloc (09022015). Collection method: clinical testing. Allele origin: germline.
Comment: This sequence change replaces leucine, which is neutral and non-polar, with proline, which is neutral and non-polar, at codon 913 of the GRM7 protein (p.Leu913Pro). This variant is not present in population databases (gnomAD no frequency). This variant has not been reported in the literature in individuals affected with GRM7-related conditions. Algorithms developed to predict the effect of missense changes on protein structure and function (SIFT, PolyPhen-2, Align-GVGD) all suggest that this variant is likely to be tolerated. In summary, the available evidence is currently insufficient to determine the role of this variant in disease. Therefore, it has been classified as a Variant of Uncertain Significance.